The following is an entry in ClinVar:

NM_030665.4(RAI1):c.99G>A (p.Pro33=)

Gene: RAI1 (retinoic acid induced 1; plus strand). Cytogenetic location: 17p11.2.
Variant type: single nucleotide variant.
Coding change: c.99G>A on transcript NM_030665.4 (MANE Select); coding-DNA position 99, G replaced by A.
Protein change: p.Pro33=; no amino-acid change (proline 33 retained).
Molecular consequence: synonymous variant.
Genome position (GRCh38, 1-based): chr17:17,793,047, G>A. VCF-style: chr17-17793047-G-A. GRCh37 (hg19) VCF-style: chr17-17696361-G-A.
Other names: c.99G>A (NM_030665.3).
Identifiers: ClinVar variation 1673529 (VCV001673529.10), dbSNP rs763536783, ClinGen allele CA8418040.
Genomic context (GRCh38, chr17:17,793,047, plus strand): 5'-ACAACAGAACTACCAGCAGACCTCGCAGGAAACATCACGCCTAGAGAATTACAGGCAGCC[G>A]AGTCAGGCCGGGCTAAGCTGCGACCGGCAGCGGCTGCTCGCCAAGGACTATTATAACCCG-3'
Protein context (NP_109590.3, residues 23-43): ETSRLENYRQ[Pro33=]SQAGLSCDRQ

ClinVar aggregate classification (germline): Likely benign. Review status: criteria provided, single submitter (1 of 4 stars). 2 submissions from 2 submitters: Likely benign (1). 1 of the submissions does not count toward it. Last evaluated 2025-08-21.

Conditions:
RAI1-related disorder. Also called: RAI1-related condition.

Allele frequency attached by ClinVar (database versions not stated): gnomAD 0.00001; ExAC 0.00002; gnomAD exomes 0.00002 and 0.00004; TOPMed 0.00002.
gnomAD v4.1: 55 of 1,614,162 alleles (0.0034%); highest among the groups gnomAD compares: Non-Finnish European, 0.0043%; no homozygotes.

Submissions (2):

Labcorp Genetics (formerly Invitae), Labcorp
Classification: Likely benign. Last evaluated: 2025-08-21. Review status: criteria provided, single submitter. Criteria: Invitae Variant Classification Sherloc (09022015). Collection method: clinical testing. Allele origin: germline.

PreventionGenetics, part of Exact Sciences
Classification: Likely benign for RAI1-related condition. Last evaluated: 2021-01-08. Review status: no assertion criteria provided. Collection method: clinical testing. Allele origin: germline. Not counted in ClinVar's aggregate classification.
Comment: This variant is classified as likely benign based on ACMG/AMP sequence variant interpretation guidelines (Richards et al. 2015 PMID: 25741868, with internal and published modifications).